The following is an entry in ClinVar:

NM_206933.4(USH2A):c.757A>G (p.Thr253Ala)

Gene: USH2A (usherin; minus strand). Cytogenetic location: 1q41.
Variant type: single nucleotide variant.
Coding change: c.757A>G on transcript NM_206933.4 (MANE Select); coding-DNA position 757, A replaced by G.
Protein change: p.Thr253Ala; replaces threonine 253 with alanine.
Molecular consequence: missense variant.
Genome position (GRCh38, 1-based): chr1:216,364,980, T>C on the plus strand (A>G on the coding strand, the complement: USH2A is on the minus strand). VCF-style: chr1-216364980-T-C. GRCh37 (hg19) VCF-style: chr1-216538322-T-C.
Other names: c.757A>G, p.Thr253Ala (NM_007123.6); short protein forms T253A.
Identifiers: ClinVar variation 2065094 (VCV002065094.1), dbSNP rs772043125, ClinGen allele CA1396707.
Genomic context (GRCh38, chr1:216,364,980, plus strand): 5'-GAAATAAATAACATTCTGAAGTCAGAAACTTACCATTTAAACTCTGTCCTATTTGCACAG[T>C]ACCAGATGCAAAATCTGTAATTGAACCACTTAGAGTTCTTGCATTGAAAGGTGTATGATC-3'
Protein context (NP_996816.3, residues 243-263): SGSITDFASG[Thr253Ala]VQIGQSLNGL

ClinVar aggregate classification (germline): Uncertain significance (1 of 4 stars; one submission).

Allele frequency attached by ClinVar (database versions not stated): gnomAD 0.00001; TOPMed 0.00001; ExAC 0.00002; gnomAD exomes 0.00002.
gnomAD v4.1: 12 of 1,613,562 alleles (0.00074%); highest among the groups gnomAD compares: Admixed American, 0.02%; no homozygotes.

Submission:

Labcorp Genetics (formerly Invitae), Labcorp
Classification: Uncertain significance. Last evaluated: 2021-08-26. Review status: criteria provided, single submitter. Criteria: Invitae Variant Classification Sherloc (09022015). Collection method: clinical testing. Allele origin: germline.
Comment: This sequence change replaces threonine with alanine at codon 253 of the USH2A protein (p.Thr253Ala). The threonine residue is highly conserved and there is a small physicochemical difference between threonine and alanine. This variant is present in population databases (rs772043125, ExAC 0.03%). This variant has not been reported in the literature in individuals affected with USH2A-related conditions. Algorithms developed to predict the effect of missense changes on protein structure and function output the following: SIFT: "Tolerated"; PolyPhen-2: "Benign"; Align-GVGD: "Class C0". The alanine amino acid residue is found in multiple mammalian species, which suggests that this missense change does not adversely affect protein function. In summary, the available evidence is currently insufficient to determine the role of this variant in disease. Therefore, it has been classified as a Variant of Uncertain Significance.